The following is an entry in ClinVar:

ClinVar aggregate classification (somatic clinical impact): Tier II - Potential (1 of 4 stars; one submission).

Conditions:
Gastric adenocarcinoma. Also called: Adenocarcinoma of stomach. Identifiers: MedGen C0278701, MONDO:0005036, HP:0033770.

Submission:

Institute for Genomic Medicine (IGM) Clinical Laboratory, Nationwide Children's Hospital
Classification: Tier II - Potential for Gastric adenocarcinoma. Assertion type: diagnostic. Clinical significance: supports diagnosis. Last evaluated: 2024-05-24. Review status: criteria provided, single submitter. Criteria: AMP/ASCO/CAP Guidelines, 2017. Collection method: clinical testing. Allele origin: somatic. Affected: yes.
Comment: Variant has Tier II (potential) clinical significance as a diagnostic inclusion criterion in gastric adenocarcinoma, based on the following evidence: 1) Appears in one or more well-established professional guidelines (e.g., World Health Organization [WHO]; National Comprehensive Cancer Network [NCCN]) as providing diagnostic, prognostic, or therapeutic information. 2) Diagnostic significance based on multiple small studies (Evidence Level C; PMIDs: 10211998, 25894828, 25079317, 28004449).

Literature cited by the submitters: PubMed 10211998; PubMed 25894828; PubMed 25079317; PubMed 28004449.

NM_004360.5(CDH1):c.1625T>A (p.Ile542Asn)

Gene: CDH1 (cadherin 1; plus strand). Cytogenetic location: 16q22.1.
Variant type: single nucleotide variant.
Coding change: c.1625T>A on transcript NM_004360.5 (MANE Select); coding-DNA position 1625, T replaced by A.
Protein change: p.Ile542Asn; replaces isoleucine 542 with asparagine.
Molecular consequence: missense variant. On other transcripts: intron variant (1).
Genome position (GRCh38, 1-based): chr16:68,819,339, T>A. VCF-style: chr16-68819339-T-A. GRCh37 (hg19) VCF-style: chr16-68853242-T-A.
Other names: c.1442T>A, p.Ile481Asn (NM_001317184.2); c.77T>A, p.Ile26Asn (NM_001317185.2); c.-254-2662T>A (NM_001317186.2); short protein forms I26N, I481N, I542N.
Identifiers: ClinVar variation 4530100 (VCV004530100.1).